The following is an entry in ClinVar:

NM_018075.5(ANO10):c.1187A>G (p.Tyr396Cys)

Gene: ANO10 (anoctamin 10; minus strand). Cytogenetic location: 3p22.1.
Variant type: single nucleotide variant.
Coding change: c.1187A>G on transcript NM_018075.5 (MANE Select); coding-DNA position 1187, A replaced by G.
Protein change: p.Tyr396Cys; replaces tyrosine 396 with cysteine.
Molecular consequence: missense variant.
Genome position (GRCh38, 1-based): chr3:43,574,840, T>C on the plus strand (A>G on the coding strand, the complement: ANO10 is on the minus strand). VCF-style: chr3-43574840-T-C. GRCh37 (hg19) VCF-style: chr3-43616332-T-C.
Other names: c.1187A>G, p.Tyr396Cys (NM_001204831.3, NM_001346463.2, NM_001346464.2 and 3 more transcripts); c.989A>G, p.Tyr330Cys (NM_001204832.3, NM_001346466.2, NM_001346469.2); c.854A>G, p.Tyr285Cys (NM_001204833.3); c.617A>G, p.Tyr206Cys (NM_001204834.3); short protein forms Y206C, Y285C, Y330C, Y396C.
Identifiers: ClinVar variation 4821657 (VCV004821657.4).
Genomic context (GRCh38, chr3:43,574,840, plus strand): 5'-ATGGATTTGTACATAAACGCTGTACTTACCACTAAAACTTTCAGAATTAGATGGTTCTGA[T>C]AGGCAGATTCCAATCTGTGATTCTCTAAAACATTAAAACACACAGGTAACTTCTCAGTAA-3'
Protein context (NP_060545.3, residues 386-406): SWENHRLESA[Tyr396Cys]QNHLILKVLV

ClinVar aggregate classification (germline): Uncertain significance (1 of 4 stars; one submission).

gnomAD v4.1: 4 of 1,614,116 alleles (0.00025%); highest among the groups gnomAD compares: Non-Finnish European, 0.00025%; no homozygotes.

Submission:

CeGaT Center for Human Genetics Tuebingen
Classification: Uncertain significance. Last evaluated: 2026-01-01. Review status: criteria provided, single submitter. Criteria: CeGaT Center For Human Genetics Tuebingen Variant Classification Criteria Version 2. Collection method: clinical testing. Allele origin: germline. Affected: yes. Observed: 1 variant allele.
Comment: ANO10: PM2, PP3